The following is an entry in ClinVar:

NM_032776.3(JMJD1C):c.2694+3A>G

Gene: JMJD1C (jumonji domain containing 1C; minus strand). Cytogenetic location: 10q21.3.
Variant type: single nucleotide variant.
Coding change: c.2694+3A>G on transcript NM_032776.3 (MANE Select); 3 bases into the intron after coding-DNA position 2694, A replaced by G.
Molecular consequence: intron variant.
Genome position (GRCh38, 1-based): chr10:63,213,470, T>C on the plus strand (A>G on the coding strand, the complement: JMJD1C is on the minus strand). VCF-style: chr10-63213470-T-C. GRCh37 (hg19) VCF-style: chr10-64973230-T-C.
Other names: c.2037+3A>G (NM_001322258.2, NM_001322254.2); c.2148+3A>G (NM_001318154.2, NM_001282948.2); c.2580+3A>G (NM_001322252.2); c.1830+3A>G (NM_001318153.2).
Identifiers: ClinVar variation 1011550 (VCV001011550.4), dbSNP rs780003916, ClinGen allele CA208375110.

ClinVar aggregate classification (germline): Uncertain significance (1 of 4 stars; one submission).

Conditions:
Early Myoclonic Encephalopathy. Identifiers: MedGen C0270855.

Allele frequency attached by ClinVar (database versions not stated): TOPMed below 0.00001; gnomAD exomes 0.00001.
gnomAD v4.1: 17 of 1,558,310 alleles (0.0011%); highest among the groups gnomAD compares: Non-Finnish European, 0.0013%; no homozygotes.

Submission:

Labcorp Genetics (formerly Invitae), Labcorp
Classification: Uncertain significance for Early Myoclonic Encephalopathy. Last evaluated: 2020-07-09. Review status: criteria provided, single submitter. Criteria: Invitae Variant Classification Sherloc (09022015). Collection method: clinical testing. Allele origin: germline.
Comment: This sequence change falls in intron 8 of the JMJD1C gene. It does not directly change the encoded amino acid sequence of the JMJD1C protein, but it affects a nucleotide within the consensus splice site of the intron. This variant is not present in population databases (ExAC no frequency). This variant has not been reported in the literature in individuals with JMJD1C-related conditions. Nucleotide substitutions within the consensus splice site are a relatively common cause of aberrant splicing (PMID: 17576681, 9536098). Algorithms developed to predict the effect of sequence changes on RNA splicing suggest that this variant is not likely to affect RNA splicing, but this prediction has not been confirmed by published transcriptional studies. In summary, the available evidence is currently insufficient to determine the role of this variant in disease. Therefore, it has been classified as a Variant of Uncertain Significance.

Literature cited by the submitters: PubMed 17576681; PubMed 9536098.